The following is an entry in ClinVar:

ClinVar aggregate classification (germline): Conflicting classifications of pathogenicity. Review status: criteria provided, conflicting classifications (1 of 4 stars). 3 submissions from 3 submitters: Uncertain significance (2); Likely benign (1). Last evaluated 2025-09-01.

Conditions:
Inborn genetic diseases. Identifiers: MedGen C0950123, MeSH D030342.

Allele frequency attached by ClinVar (database versions not stated): gnomAD 0.00003; gnomAD exomes 0.00005; ExAC 0.00009.
gnomAD v4.1: 38 of 1,604,546 alleles (0.0024%); highest among the groups gnomAD compares: South Asian, 0.033%; no homozygotes.

Submissions (3):

Ambry Genetics
Classification: Uncertain significance for Inborn genetic diseases. Last evaluated: 2025-09-01. Review status: criteria provided, single submitter. Criteria: Ambry Variant Classification Scheme 2023. Collection method: clinical testing. Allele origin: germline.

Blueprint Genetics
Classification: Likely benign. Last evaluated: 2022-09-10. Review status: criteria provided, single submitter. Criteria: ACMG Guidelines, 2015. Collection method: clinical testing. Allele origin: germline.

Labcorp Genetics (formerly Invitae), Labcorp
Classification: Uncertain significance. Last evaluated: 2020-12-05. Review status: criteria provided, single submitter. Criteria: Invitae Variant Classification Sherloc (09022015). Collection method: clinical testing. Allele origin: germline.
Comment: The frequency data for this variant in the population databases is considered unreliable, as metrics indicate poor data quality at this position in the ExAC database. This sequence change replaces valine with glycine at codon 588 of the KIAA1549 protein (p.Val588Gly). The valine residue is weakly conserved and there is a moderate physicochemical difference between valine and glycine. This variant has not been reported in the literature in individuals with KIAA1549-related conditions. In summary, the available evidence is currently insufficient to determine the role of this variant in disease. Therefore, it has been classified as a Variant of Uncertain Significance. Algorithms developed to predict the effect of missense changes on protein structure and function are either unavailable or do not agree on the potential impact of this missense change (SIFT: "Deleterious"; PolyPhen-2: "Benign"; Align-GVGD: "Class C0").

NM_001164665.2(KIAA1549):c.1763T>G (p.Val588Gly)

Gene: KIAA1549 (KIAA1549; minus strand). Cytogenetic location: 7q34.
Variant type: single nucleotide variant.
Coding change: c.1763T>G on transcript NM_001164665.2 (MANE Select); coding-DNA position 1763, T replaced by G.
Protein change: p.Val588Gly; replaces valine 588 with glycine.
Molecular consequence: missense variant.
Genome position (GRCh38, 1-based): chr7:138,917,863, A>C on the plus strand (T>G on the coding strand, the complement: KIAA1549 is on the minus strand). VCF-style: chr7-138917863-A-C. GRCh37 (hg19) VCF-style: chr7-138602609-A-C.
Other names: c.1763T>G (NM_001164665.1); c.1763T>G, p.Val588Gly (NM_020910.3); short protein forms V588G.
Identifiers: ClinVar variation 1460839 (VCV001460839.10), dbSNP rs749161217, ClinGen allele CA4506637.